The following is an entry in ClinVar:

ClinVar aggregate classification (germline): Uncertain significance (1 of 4 stars; one submission).

Conditions:
Inborn genetic diseases. Identifiers: MedGen C0950123, MeSH D030342.

gnomAD v4.1: 2 of 1,614,016 alleles (0.00012%); highest among the groups gnomAD compares: Non-Finnish European, 0.00017%; no homozygotes.

Submission:

Ambry Genetics
Classification: Uncertain significance for Inborn genetic diseases. Last evaluated: 2025-12-20. Review status: criteria provided, single submitter. Criteria: Ambry Variant Classification Scheme 2023. Collection method: clinical testing. Allele origin: germline.
Comment: The p.N417S variant (also known as c.1250A>G), located in coding exon 4 of the MBD4 gene, results from an A to G substitution at nucleotide position 1250. The asparagine at codon 417 is replaced by serine, an amino acid with highly similar properties. This amino acid position is conserved. In addition, this alteration is predicted to be tolerated by in silico analysis. Based on the available evidence, the clinical significance of this variant remains unclear.

NM_001276270.2(MBD4):c.1250A>G (p.Asn417Ser)

Gene: MBD4 (methyl-CpG binding domain 4, DNA glycosylase; minus strand). Cytogenetic location: 3q21.3.
Variant type: single nucleotide variant.
Coding change: c.1250A>G on transcript NM_001276270.2 (MANE Select); coding-DNA position 1250, A replaced by G.
Protein change: p.Asn417Ser; replaces asparagine 417 with serine.
Molecular consequence: missense variant.
Genome position (GRCh38, 1-based): chr3:129,434,070, T>C on the plus strand (A>G on the coding strand, the complement: MBD4 is on the minus strand). VCF-style: chr3-129434070-T-C. GRCh37 (hg19) VCF-style: chr3-129152913-T-C.
Other names: c.1268A>G, p.Asn423Ser (NM_001276271.2, NM_001276272.2, NM_003925.3); c.314A>G, p.Asn105Ser (NM_001276273.2); short protein forms N423S, N417S, N105S.
Identifiers: ClinVar variation 4844099 (VCV004844099.1).